The following is an entry in ClinVar:

NM_001673.5(ASNS):c.1505C>T (p.Ala502Val)

Genes: ASNS (asparagine synthetase (glutamine-hydrolyzing); minus strand), CZ1P-ASNS (CZ1P-ASNS readthrough; minus strand). Cytogenetic location: 7q21.3.
Variant type: single nucleotide variant.
Coding change: c.1505C>T on transcript NM_001673.5 (MANE Select); coding-DNA position 1505, C replaced by T.
Protein change: p.Ala502Val; replaces alanine 502 with valine.
Molecular consequence: missense variant. On other transcripts: non-coding transcript variant (1).
Genome position (GRCh38, 1-based): chr7:97,852,440, G>A on the plus strand (C>T on the coding strand, the complement: ASNS is on the minus strand). VCF-style: chr7-97852440-G-A. GRCh37 (hg19) VCF-style: chr7-97481752-G-A.
Other names: c.1442C>T, p.Ala481Val (NM_001178075.2); c.1256C>T, p.Ala419Val (NM_001178076.2, NM_001178077.1); c.1505C>T, p.Ala502Val (NM_001352496.2, NM_133436.3, NM_183356.4); short protein forms A419V, A481V, A502V.
Identifiers: ClinVar variation 1389948 (VCV001389948.6), dbSNP rs2115583161, ClinGen allele CA368264334.

ClinVar aggregate classification (germline): Uncertain significance (1 of 4 stars; one submission).

Allele frequency attached by ClinVar (database versions not stated): gnomAD 0.00001; gnomAD exomes 0.00001.
gnomAD v4.1: 4 of 1,614,112 alleles (0.00025%); highest among the groups gnomAD compares: East Asian, 0.0089%; no homozygotes.

Submission:

Labcorp Genetics (formerly Invitae), Labcorp
Classification: Uncertain significance. Last evaluated: 2021-10-28. Review status: criteria provided, single submitter. Criteria: Invitae Variant Classification Sherloc (09022015). Collection method: clinical testing. Allele origin: germline.
Comment: In summary, the available evidence is currently insufficient to determine the role of this variant in disease. Therefore, it has been classified as a Variant of Uncertain Significance. Algorithms developed to predict the effect of missense changes on protein structure and function (SIFT, PolyPhen-2, Align-GVGD) all suggest that this variant is likely to be tolerated. This variant has not been reported in the literature in individuals affected with ASNS-related conditions. This variant is not present in population databases (gnomAD no frequency). This sequence change replaces alanine, which is neutral and non-polar, with valine, which is neutral and non-polar, at codon 502 of the ASNS protein (p.Ala502Val).